The following is an entry in ClinVar:

NM_002267.4(KPNA3):c.945C>T (p.Thr315=)

Gene: KPNA3 (karyopherin subunit alpha 3; minus strand). Cytogenetic location: 13q14.2.
Variant type: single nucleotide variant.
Coding change: c.945C>T on transcript NM_002267.4 (MANE Select); coding-DNA position 945, C replaced by T.
Protein change: p.Thr315=; no amino-acid change (threonine 315 retained).
Molecular consequence: synonymous variant.
Genome position (GRCh38, 1-based): chr13:49,709,659, G>A on the plus strand (C>T on the coding strand, the complement: KPNA3 is on the minus strand). VCF-style: chr13-49709659-G-A. GRCh37 (hg19) VCF-style: chr13-50283795-G-A.
Identifiers: ClinVar variation 2643817 (VCV002643817.24), dbSNP rs61749883, ClinGen allele CA6983600.

ClinVar aggregate classification (germline): Likely benign (1 of 4 stars; one submission).

Allele frequency attached by ClinVar (database versions not stated): 1000 Genomes Project 30x 0.00125; 1000 Genomes Project 0.00140; TOPMed 0.00338; gnomAD 0.00372; ESP Exome Variant Server 0.00461; ExAC 0.00500; gnomAD exomes 0.00545.
gnomAD v4.1: 8,491 of 1,613,820 alleles (0.53%); highest among the groups gnomAD compares: Non-Finnish European, 0.62%; 17 homozygotes.

Submission:

CeGaT Center for Human Genetics Tuebingen
Classification: Likely benign. Last evaluated: 2026-04-01. Review status: criteria provided, single submitter. Criteria: CeGaT Center For Human Genetics Tuebingen Variant Classification Criteria Version 2. Collection method: clinical testing. Allele origin: germline. Affected: yes. Observed: 4 variant alleles.
Comment: KPNA3: BP4, BP7, BS2